The following is an entry in ClinVar:

ClinVar aggregate classification (germline): Uncertain significance (1 of 4 stars; one submission).

Conditions:
Charcot-Marie-Tooth disease type 4. Also called: Charcot-Marie-Tooth disease, type IV; Charcot-Marie-Tooth, Type 4. Identifiers: Orphanet 64749, MedGen C4082197, MONDO:0018995.

Allele frequency attached by ClinVar (database versions not stated): gnomAD exomes 0.00001.
gnomAD v4.1: 6 of 1,614,222 alleles (0.00037%); highest among the groups gnomAD compares: Non-Finnish European, 0.00051%; no homozygotes.

Submission:

Labcorp Genetics (formerly Invitae), Labcorp
Classification: Uncertain significance for Charcot-Marie-Tooth disease type 4. Last evaluated: 2021-06-24. Review status: criteria provided, single submitter. Criteria: Invitae Variant Classification Sherloc (09022015). Collection method: clinical testing. Allele origin: germline.
Comment: This sequence change replaces glutamine with arginine at codon 440 of the FGD4 protein (p.Gln440Arg). The glutamine residue is highly conserved and there is a small physicochemical difference between glutamine and arginine. This variant is not present in population databases (ExAC no frequency). This variant has not been reported in the literature in individuals with FGD4-related conditions. Algorithms developed to predict the effect of missense changes on protein structure and function (SIFT, PolyPhen-2, Align-GVGD) all suggest that this variant is likely to be disruptive, but these predictions have not been confirmed by published functional studies and their clinical significance is uncertain. In summary, the available evidence is currently insufficient to determine the role of this variant in disease. Therefore, it has been classified as a Variant of Uncertain Significance.

NM_001370298.3(FGD4):c.1730A>G (p.Gln577Arg)

Gene: FGD4 (FYVE, RhoGEF and PH domain containing 4; plus strand). Cytogenetic location: 12p11.21.
Variant type: single nucleotide variant.
Coding change: c.1730A>G on transcript NM_001370298.3 (MANE Select); coding-DNA position 1730, A replaced by G.
Protein change: p.Gln577Arg; replaces glutamine 577 with arginine.
Molecular consequence: missense variant.
Genome position (GRCh38, 1-based): chr12:32,611,264, A>G. VCF-style: chr12-32611264-A-G. GRCh37 (hg19) VCF-style: chr12-32764198-A-G.
Other names: c.1574A>G, p.Gln525Arg (NM_001304481.2); c.575A>G, p.Gln192Arg (NM_001304483.2); c.287A>G, p.Gln96Arg (NM_001304484.2); c.1040A>G, p.Gln347Arg (NM_001330373.2, NM_001330374.2, NM_001384130.1); c.767A>G, p.Gln256Arg (NM_001370297.1); c.1730A>G, p.Gln577Arg (NM_001384126.1); c.1319A>G, p.Gln440Arg (NM_001384127.1, NM_001384128.1, NM_001385118.1 and 1 more transcripts); short protein forms Q192R, Q256R, Q525R, Q96R, Q347R, Q440R, Q577R.
Identifiers: ClinVar variation 1491386 (VCV001491386.8), dbSNP rs2136769216, ClinGen allele CA384361218.